The following is an entry in ClinVar:

NM_003235.5(TG):c.368C>A (p.Ser123Ter)

Gene: TG (thyroglobulin; plus strand). Cytogenetic location: 8q24.22.
Variant type: single nucleotide variant.
Coding change: c.368C>A on transcript NM_003235.5 (MANE Select); coding-DNA position 368, C replaced by A.
Protein change: p.Ser123Ter; replaces serine 123 with a stop codon.
Molecular consequence: nonsense.
Genome position (GRCh38, 1-based): chr8:132,871,441, C>A. VCF-style: chr8-132871441-C-A. GRCh37 (hg19) VCF-style: chr8-133883686-C-A.
Other names: short protein forms S123*.
Identifiers: ClinVar variation 4850680 (VCV004850680.1).
Genomic context (GRCh38, chr8:132,871,441, plus strand): 5'-TCTTACTGAGTGGCTACATTAACAGCACAGACACCTCCTACCTCCCTCAGTGTCAGGATT[C>A]AGGGGACTACGCGCCTGTTCAGTGTGATGTGCAGCAGGTCCAGTGCTGGTGTGTGGACGC-3'

ClinVar aggregate classification (germline): Pathogenic (1 of 4 stars; one submission).

Conditions:
Congenital hypothyroidism. Identifiers: Orphanet 442, MedGen C0010308, MONDO:0018612, HP:0000851.

Submission:

Cambridge Genomics Laboratory, East Genomic Laboratory Hub, NHS Genomic Medicine Service
Classification: Pathogenic for Congenital hypothyroidism. Last evaluated: 2026-04-27. Review status: criteria provided, single submitter. Criteria: ACGS Best Practice Guidelines for Variant Classification in Rare Disease 2020. Collection method: clinical testing. Allele origin: germline. Affected: yes.
Comment: PVS1,PM2